The following is an entry in ClinVar:

ClinVar aggregate classification (germline): Likely pathogenic. Review status: criteria provided, single submitter (1 of 4 stars). 2 submissions from 2 submitters: Likely pathogenic (1). 1 of the submissions does not count toward it. Last evaluated 2019-07-19.

Conditions:
Marfan syndrome (MFS). Also called: FBN1-Related Marfan Syndrome; MARFAN SYNDROME, TYPE I; Marfan syndrome type 1; Marfan's syndrome; Marfan syndrome, classic. Identifiers: Orphanet 284963, Orphanet 558, MedGen C0024796, MONDO:0007947, OMIM 154700.
Familial thoracic aortic aneurysm and aortic dissection (TAAD). Also called: Thoracic aortic aneurysms and dissections. Identifiers: Orphanet 91387, MedGen C4707243, MONDO:0019625.

Submissions (2):

Labcorp Genetics (formerly Invitae), Labcorp
Classification: Likely pathogenic for Marfan syndrome; Familial thoracic aortic aneurysm and aortic dissection. Last evaluated: 2019-07-19. Review status: criteria provided, single submitter. Criteria: Invitae Variant Classification Sherloc (09022015). Collection method: clinical testing. Allele origin: germline.
Comment: In summary, the currently available evidence indicates that the variant is pathogenic, but additional data are needed to prove that conclusively. Therefore, this variant has been classified as Likely Pathogenic. Algorithms developed to predict the effect of missense changes on protein structure and function are either unavailable or do not agree on the potential impact of this missense change (SIFT: "Deleterious"; PolyPhen-2: "Probably Damaging"; Align-GVGD: "Class C0"). This variant has not been reported in the literature in individuals with FBN1-related conditions. This variant is not present in population databases (ExAC no frequency). This sequence change replaces cysteine with arginine at codon 119 of the FBN1 protein (p.Cys119Arg). The cysteine residue is highly conserved and there is a large physicochemical difference between cysteine and arginine. This variant affects a cysteine residue in the EGF-like, TGFBP or hybrid motif domains of FBN1. Cysteine residues are believed to be involved in intramolecular disulfide bridges and have been shown to be important for FBN1 protein structure (PMID: 16905551, 19349279). In addition, missense substitutions affecting cysteine residues within these domains are significantly overrepresented among patients with Marfan syndrome (PMID: 16571647, 17701892).

Department of Laboratory Medicine and Genetics, Samsung Medical Center
Classification: Likely pathogenic for Marfan syndrome. Last evaluated: 2025-01-02. Review status: no assertion criteria provided. Collection method: clinical testing. Allele origin: germline. Not counted in ClinVar's aggregate classification.
Comment: The NM_000138.5:c.355T>C is considered to be rare in the general population database (gnomAD v2.1.1). This variant is predicted to be deletrious by in-silico analysis (REVEL). This variant is located in functional domains and a different missense variant at the same residue is determined to be pathogenic (c.356G>T, p.Cys119Phe and c.356G>A, p.Cys119Tyr). This variant was found in a patient with ectopia lentis (PMID: 34281902; 34818515). In summary, this variant was classified as a likely pathogenic variant for Marfan syndrome (PM1, PM5, PP2, PP3, PS4_P, PM2_P).

Literature cited by the submitters: PubMed 16905551 (cited by Labcorp Genetics (formerly Invitae), Labcorp); PubMed 19349279 (cited by Labcorp Genetics (formerly Invitae), Labcorp); PubMed 16571647 (cited by Labcorp Genetics (formerly Invitae), Labcorp); PubMed 17701892 (cited by Labcorp Genetics (formerly Invitae), Labcorp); PubMed 34281902 (cited by Department of Laboratory Medicine and Genetics, Samsung Medical Center); PubMed 34818515 (cited by Department of Laboratory Medicine and Genetics, Samsung Medical Center); PubMed 37558401 (cited by Department of Laboratory Medicine and Genetics, Samsung Medical Center).

NM_000138.5(FBN1):c.355T>C (p.Cys119Arg)

Gene: FBN1 (fibrillin 1; minus strand). Cytogenetic location: 15q21.1.
Variant type: single nucleotide variant.
Coding change: c.355T>C on transcript NM_000138.5 (MANE Select); coding-DNA position 355, T replaced by C.
Protein change: p.Cys119Arg; replaces cysteine 119 with arginine.
Molecular consequence: missense variant.
Genome position (GRCh38, 1-based): chr15:48,600,226, A>G on the plus strand (T>C on the coding strand, the complement: FBN1 is on the minus strand). VCF-style: chr15-48600226-A-G. GRCh37 (hg19) VCF-style: chr15-48892423-A-G.
Other names: short protein forms C119R.
Identifiers: ClinVar variation 959605 (VCV000959605.11), dbSNP rs2044551443, ClinGen allele CA392446625.
Genomic context (GRCh38, chr15:48,600,226, plus strand): 5'-CTTTCTGGCATAGACAGTGATCGTCACTGCAGCTACCTCCATTCATACAGCGAATATTGC[A>G]GTGTTGTACTTGAAAAAAAAGAAGAAGAATTCACTTTTGCAACTTAAATGCATAGATTGC-3'
Protein context (NP_000129.3, residues 109-129): PSCGSRSIQH[Cys119Arg]NIRCMNGGSC